The following is an entry in ClinVar:

NM_017763.6(RNF43):c.534G>C (p.Lys178Asn)

Gene: RNF43 (ring finger protein 43; minus strand). Cytogenetic location: 17q22.
Variant type: single nucleotide variant.
Coding change: c.534G>C on transcript NM_017763.6 (MANE Select); coding-DNA position 534, G replaced by C.
Protein change: p.Lys178Asn; replaces lysine 178 with asparagine.
Molecular consequence: missense variant.
Genome position (GRCh38, 1-based): chr17:58,363,323, C>G on the plus strand (G>C on the coding strand, the complement: RNF43 is on the minus strand). VCF-style: chr17-58363323-C-G. GRCh37 (hg19) VCF-style: chr17-56440684-C-G.
Other names: c.534G>C, p.Lys178Asn (NM_001305544.3); c.153G>C, p.Lys51Asn (NM_001305545.2); short protein forms K178N, K51N.
Identifiers: ClinVar variation 3434527 (VCV003434527.1).
Genomic context (GRCh38, chr17:58,363,323, plus strand): 5'-TAGTGTGCTTACCCAGGCCGGGGGCTCCTTCAGCTCAATCCTCACATGGGCCTTTTGGTT[C>G]TTGTACACAAACTCCATCAGCTTCTCAGCGTCATTACCCCAGATCAACACCACTGGCCAG-3'
Protein context (NP_060233.3, residues 168-188): DAEKLMEFVY[Lys178Asn]NQKAHVRIEL

ClinVar aggregate classification (germline): Uncertain significance (1 of 4 stars; one submission).

Submission:

Ambry Genetics
Classification: Uncertain significance. Last evaluated: 2024-11-28. Review status: criteria provided, single submitter. Criteria: Ambry Variant Classification Scheme 2023. Collection method: clinical testing. Allele origin: germline.
Comment: The p.K178N variant (also known as c.534G>C), located in coding exon 4 of the RNF43 gene, results from a G to C substitution at nucleotide position 534. The lysine at codon 178 is replaced by asparagine, an amino acid with similar properties. This amino acid position is conserved. In addition, this alteration is predicted to be tolerated by in silico analysis. Based on the available evidence, the clinical significance of this variant remains unclear.